The following is an entry in ClinVar:

ClinVar aggregate classification (germline): Conflicting classifications of pathogenicity. Review status: criteria provided, conflicting classifications (1 of 4 stars). 2 submissions from 2 submitters: Likely pathogenic (1); Uncertain significance (1). Last evaluated 2023-08-02.

Conditions:
Early-infantile DEE. Also called: Ohtahara syndrome; Early infantile epileptic encephalopathy with suppression bursts; Early infantile epileptic encephalopathy. Identifiers: Orphanet 1934, MedGen C0393706, MONDO:0800491.

Submissions (2):

Labcorp Genetics (formerly Invitae), Labcorp
Classification: Uncertain significance for Early-infantile DEE. Last evaluated: 2023-08-02. Review status: criteria provided, single submitter. Criteria: Invitae Variant Classification Sherloc (09022015). Collection method: clinical testing. Allele origin: germline.
Comment: In summary, the available evidence is currently insufficient to determine the role of this variant in disease. Therefore, it has been classified as a Variant of Uncertain Significance. This variant disrupts a region of the KCNQ2 protein in which other variant(s) (p.Pro853Alafs*12) have been observed in individuals with KCNQ2-related conditions (Invitae). This suggests that this is a clinically significant region of the protein, and that variants that disrupt it are likely to be disease-causing. Experimental studies and prediction algorithms are not available or were not evaluated, and the functional significance of this variant is currently unknown. This variant has not been reported in the literature in individuals affected with KCNQ2-related conditions. This variant is not present in population databases (gnomAD no frequency). This sequence change creates a premature translational stop signal (p.Ser839Valfs*26) in the KCNQ2 gene. While this is not anticipated to result in nonsense mediated decay, it is expected to disrupt the last 34 amino acid(s) of the KCNQ2 protein.

Mayo Clinic Laboratories, Mayo Clinic
Classification: Likely pathogenic. Last evaluated: 2023-02-16. Review status: criteria provided, single submitter. Criteria: ACMG Guidelines, 2015. Collection method: clinical testing. Allele origin: germline. Observed: 1 variant allele.
Comment: PM2, PVS1_strong

NM_172107.4(KCNQ2):c.2514dup (p.Ser839fs)

Gene: KCNQ2 (potassium voltage-gated channel subfamily Q member 2; minus strand). Cytogenetic location: 20q13.33.
Variant type: Duplication.
Coding change: c.2514dup on transcript NM_172107.4 (MANE Select); coding-DNA position 2514, one base duplicated (G; older notation c.2514dupG).
Protein change: p.Ser839fs; shifts the reading frame from serine 839.
Molecular consequence: frameshift variant.
Genome position (GRCh38, 1-based): chr20:63,406,749, C duplicated on the plus strand (G on the coding strand, the reverse complement: KCNQ2 is on the minus strand). VCF-style (leftmost placement, unchanged base first): chr20-63406748-A-AC. GRCh37 (hg19) VCF-style: chr20-62038101-A-AC.
Other names: p.Ser839Valfs*26; c.2568dup, p.Ser857fs (NM_001382235.1); c.2430dup, p.Ser811fs (NM_004518.6); c.2460dup, p.Ser821fs (NM_172106.3); c.2421dup, p.Ser808fs (NM_172108.5); short protein forms S808fs, S811fs, S821fs, S839fs, S857fs.
Identifiers: ClinVar variation 2683121 (VCV002683121.4), dbSNP rs2516092158, ClinGen allele CA2697547446.